The following is an entry in ClinVar:

ClinVar aggregate classification (germline): Conflicting classifications of pathogenicity. Review status: criteria provided, conflicting classifications (1 of 4 stars). 3 submissions from 3 submitters: Pathogenic (1); Likely pathogenic (1); Uncertain significance (1). Last evaluated 2024-02-01.

Allele frequency attached by ClinVar (database versions not stated): gnomAD exomes below 0.00001 and 0.00001; ExAC 0.00001; gnomAD 0.00001 and 0.00002; TOPMed 0.00001.
gnomAD v4.1: 5 of 1,614,016 alleles (0.00031%); highest among the groups gnomAD compares: Admixed American, 0.0017%; no homozygotes.

Submissions (3):

CeGaT Center for Human Genetics Tuebingen
Classification: Likely pathogenic. Last evaluated: 2024-02-01. Review status: criteria provided, single submitter. Criteria: CeGaT Center For Human Genetics Tuebingen Variant Classification Criteria Version 2. Collection method: clinical testing. Allele origin: germline. Affected: yes. Observed: 1 variant allele.
Comment: ADCY10: PVS1, PS4:Supporting

Blueprint Genetics
Classification: Uncertain significance. Last evaluated: 2023-12-01. Review status: criteria provided, single submitter. Criteria: ACMG Guidelines, 2015. Collection method: clinical testing. Allele origin: germline.

Labcorp Genetics (formerly Invitae), Labcorp
Classification: Pathogenic. Last evaluated: 2021-10-08. Review status: criteria provided, single submitter. Criteria: Invitae Variant Classification Sherloc (09022015). Collection method: clinical testing. Allele origin: germline.
Comment: For these reasons, this variant has been classified as Pathogenic. This premature translational stop signal has been observed in individual(s) with idiopathic hypercalciuria (PMID: 25296721). This variant is present in population databases (rs770888477, ExAC 0.001%). This sequence change creates a premature translational stop signal (p.Tyr421*) in the ADCY10 gene. It is expected to result in an absent or disrupted protein product. Loss-of-function variants in ADCY10 are known to be pathogenic (PMID: 31119281).

Literature cited by the submitters: PubMed 25296721 (cited by Labcorp Genetics (formerly Invitae), Labcorp); PubMed 31119281 (cited by Labcorp Genetics (formerly Invitae), Labcorp).

NM_018417.6(ADCY10):c.1263C>A (p.Tyr421Ter)

Genes: ADCY10 (adenylate cyclase 10; minus strand), DCAF6 (DDB1 and CUL4 associated factor 6; plus strand). Cytogenetic location: 1q24.2.
Variant type: single nucleotide variant.
Coding change: c.1263C>A on transcript NM_018417.6 (MANE Select); coding-DNA position 1263, C replaced by A.
Protein change: p.Tyr421Ter; replaces tyrosine 421 with a stop codon.
Molecular consequence: nonsense.
Genome position (GRCh38, 1-based): chr1:167,878,589, G>T on the plus strand (C>A on the coding strand, the complement: ADCY10 is on the minus strand). VCF-style: chr1-167878589-G-T. GRCh37 (hg19) VCF-style: chr1-167847827-G-T.
Other names: c.804C>A, p.Tyr268Ter (NM_001167749.3); c.987C>A, p.Tyr329Ter (NM_001297772.2); short protein forms Y268*, Y329*, Y421*.
Identifiers: ClinVar variation 949727 (VCV000949727.29), dbSNP rs770888477, ClinGen allele CA1228003.